The following is an entry in ClinVar:

ClinVar aggregate classification (germline): Pathogenic (1 of 4 stars; one submission).

Conditions:
Alstrom syndrome (ALMS). Identifiers: Orphanet 64, MedGen C0268425, MONDO:0008763, OMIM 203800.

Submission:

Labcorp Genetics (formerly Invitae), Labcorp
Classification: Pathogenic for Alstrom syndrome. Last evaluated: 2023-09-15. Review status: criteria provided, single submitter. Criteria: Invitae Variant Classification Sherloc (09022015). Collection method: clinical testing. Allele origin: germline.
Comment: For these reasons, this variant has been classified as Pathogenic. This variant has not been reported in the literature in individuals affected with ALMS1-related conditions. This variant is not present in population databases (gnomAD no frequency). This sequence change creates a premature translational stop signal (p.Cys3029Tyrfs*13) in the ALMS1 gene. It is expected to result in an absent or disrupted protein product. Loss-of-function variants in ALMS1 are known to be pathogenic (PMID: 17594715).

Literature cited by the submitters: PubMed 17594715.

NM_001378454.1(ALMS1):c.9083_9084del (p.Cys3028fs)

Gene: ALMS1 (ALMS1 centrosome and basal body associated protein; plus strand). Cytogenetic location: 2p13.1.
Variant type: Deletion.
Coding change: c.9083_9084del on transcript NM_001378454.1 (MANE Select); coding-DNA positions 9083 to 9084, 2 bases deleted (GT; older notation c.9083_9084delGT).
Protein change: p.Cys3028fs; shifts the reading frame from cysteine 3028.
Molecular consequence: frameshift variant.
Genome position (GRCh38, 1-based): chr2:73,491,042-73,491,043, GT deleted; deleting any 2 consecutive bases within chr2:73,491,041-73,491,043 gives the same sequence; the c. name uses the placement nearest the transcript's 3' end. VCF-style (leftmost placement, unchanged base first): chr2-73491040-CTG-C. GRCh37 (hg19) VCF-style: chr2-73718167-CTG-C.
Other names: c.9086_9087del, p.Cys3029fs (NM_015120.4); short protein forms C3029fs, C3028fs.
Identifiers: ClinVar variation 2760997 (VCV002760997.3), dbSNP rs2466219130, ClinGen allele CA2697548282.